The following is an entry in ClinVar:

ClinVar aggregate classification (germline): Pathogenic. Review status: criteria provided, single submitter (1 of 4 stars). 2 submissions from 2 submitters: Pathogenic (1). 1 of the submissions does not count toward it. Last evaluated 2017-11-27.

Conditions:
Aniridia 1 (AN1). Identifiers: Orphanet 250923, MedGen C0344542, MONDO:0024507, OMIM 106210.
Irido-corneo-trabecular dysgenesis (ASGD5). Also called: ANTERIOR SEGMENT DYSGENESIS 5. Identifiers: Orphanet 708, MedGen C0344559, MONDO:0011414, OMIM 604229, HP:0000659.

Submissions (2):

Labcorp Genetics (formerly Invitae), Labcorp
Classification: Pathogenic for Aniridia 1; Irido-corneo-trabecular dysgenesis. Last evaluated: 2017-11-27. Review status: criteria provided, single submitter. Criteria: Invitae Variant Classification Sherloc (09022015). Collection method: clinical testing. Allele origin: germline.
Comment: Different variants that also disrupt the initiation codon (c.1A>G, c.2T>A, c.2T>G) have been reported in individuals affected with aniridia, and determined to be pathogenic (PMID: 10234503, 16712695, 28321846, 21850189, 26535646) This variant has been reported in individuals affected with aniridia (PMID: 28321846, Invitae). ClinVar contains an entry for this variant (Variation ID: 430972). This variant is not present in population databases (ExAC no frequency). This sequence change affects the initiator methionine of the PAX6 mRNA. The next in-frame methionine is located at codon 137. For these reasons, this variant has been classified as Pathogenic.

Laboratory of Genetic Epidemiology, Research Centre for Medical Genetics
Classification: Pathogenic for Aniridia 1. Review status: no assertion criteria provided. Collection method: research. Allele origin: maternal. Inheritance: Autosomal dominant inheritance. Affected: yes. Observed: 1 heterozygote. Not counted in ClinVar's aggregate classification.

Literature cited by the submitters: PubMed 10234503 (cited by Labcorp Genetics (formerly Invitae), Labcorp); PubMed 16712695 (cited by Labcorp Genetics (formerly Invitae), Labcorp); PubMed 28321846 (cited by Labcorp Genetics (formerly Invitae), Labcorp and Laboratory of Genetic Epidemiology, Research Centre for Medical Genetics); PubMed 21850189 (cited by Labcorp Genetics (formerly Invitae), Labcorp); PubMed 26535646 (cited by Labcorp Genetics (formerly Invitae), Labcorp).

NM_001368894.2(PAX6):c.1A>C (p.Met1Leu)

Gene: PAX6 (paired box 6; minus strand). Cytogenetic location: 11p13.
Variant type: single nucleotide variant.
Coding change: c.1A>C on transcript NM_001368894.2 (MANE Select); coding-DNA position 1, A replaced by C.
Protein change: p.Met1Leu; changes the start codon (methionine 1).
Molecular consequence: missense variant, initiator codon variant. On other transcripts: 5 prime UTR variant (2), non-coding transcript variant (2), intron variant (2).
Genome position (GRCh38, 1-based): chr11:31,806,411, T>G on the plus strand (A>C on the coding strand, the complement: PAX6 is on the minus strand). VCF-style: chr11-31806411-T-G. GRCh37 (hg19) VCF-style: chr11-31827959-T-G.
Other names: c.1A>C, p.Met1Leu (NM_001368919.2, NM_001368920.2, NM_001368915.2 and 30 more transcripts); c.-277A>C (NM_001368904.2); c.-781A>C (NM_001368905.2); c.101A>C, p.His34Pro (NM_001368910.2); c.-268+4417A>C (NM_001368909.2); c.14-3577A>C (NM_001368911.2); short protein forms M1L, H34P.
Identifiers: ClinVar variation 430972 (VCV000430972.10), dbSNP rs1131692284, ClinGen allele CA379960126.